The following is an entry in ClinVar:

ClinVar aggregate classification (germline): Uncertain significance. Review status: criteria provided, multiple submitters, no conflicts (2 of 4 stars). 4 submissions from 4 submitters: Uncertain significance (4). Last evaluated 2026-01-21.

Conditions:
Inborn genetic diseases. Identifiers: MedGen C0950123, MeSH D030342.

Allele frequency attached by ClinVar (database versions not stated): ExAC 0.00003; gnomAD 0.00005; gnomAD exomes 0.00005 and 0.00004; TOPMed 0.00006.

Submissions (4):

Labcorp Genetics (formerly Invitae), Labcorp
Classification: Uncertain significance. Last evaluated: 2026-01-21. Review status: criteria provided, single submitter. Criteria: Invitae Variant Classification Sherloc (09022015). Collection method: clinical testing. Allele origin: germline.
Comment: This sequence change replaces valine, which is neutral and non-polar, with methionine, which is neutral and non-polar, at codon 76 of the OSBPL2 protein (p.Val76Met). This variant is present in population databases (rs777865483, gnomAD 0.01%). This variant has not been reported in the literature in individuals affected with OSBPL2-related conditions. ClinVar contains an entry for this variant (Variation ID: 666888). An algorithm developed to predict the effect of missense changes on protein structure and function (PolyPhen-2) suggests that this variant is likely to be tolerated. In summary, the available evidence is currently insufficient to determine the role of this variant in disease. Therefore, it has been classified as a Variant of Uncertain Significance.

Ambry Genetics
Classification: Uncertain significance for Inborn genetic diseases. Last evaluated: 2024-06-26. Review status: criteria provided, single submitter. Criteria: Ambry Variant Classification Scheme 2023. Collection method: clinical testing. Allele origin: germline.

GeneDx
Classification: Uncertain significance. Last evaluated: 2022-06-07. Review status: criteria provided, single submitter. Criteria: GeneDx Variant Classification Process June 2021. Collection method: clinical testing. Allele origin: germline. Affected: yes.
Comment: In silico analysis supports that this missense variant does not alter protein structure/function; Has not been previously published as pathogenic or benign to our knowledge

Laboratory for Molecular Medicine, Mass General Brigham Personalized Medicine
Classification: Uncertain significance. Last evaluated: 2018-04-24. Review status: criteria provided, single submitter. Criteria: LMM Criteria. Collection method: clinical testing. Allele origin: germline. Observed: 2 variant alleles.
Comment: Variant classified as Uncertain Significance - Favor Benign. The p.Val76Met vari ant in OSBPL2 has not been previously reported in individuals with hearing loss. This variant has been identified in several populations by the Genome Aggregat ion Database, including 3/33582 Latino chromosomes (gnomAD; dbSNP rs7778654483). Computational prediction tools and conservati on analysis do not provide strong support for or against an impact to the protei n; however, one mammal (mole) does have this variant despite nearby conservation of the rest of the protein sequence. In summary, the clinical significance of t he p.Val76Met variant is uncertain; however, we would lean towards a benign inte rpretation based upon lack of conservation in a mammal. ACMG/AMP criteria applie d: none.

NM_144498.4(OSBPL2):c.226G>A (p.Val76Met)

Gene: OSBPL2 (oxysterol binding protein like 2; plus strand). Cytogenetic location: 20q13.33.
Variant type: single nucleotide variant.
Coding change: c.226G>A on transcript NM_144498.4 (MANE Select); coding-DNA position 226, G replaced by A.
Protein change: p.Val76Met; replaces valine 76 with methionine.
Molecular consequence: missense variant. On other transcripts: 5 prime UTR variant (2).
Genome position (GRCh38, 1-based): chr20:62,263,659, G>A. VCF-style: chr20-62263659-G-A. GRCh37 (hg19) VCF-style: chr20-60838715-G-A.
Other names: c.-141G>A (NM_001278649.3, NM_001363878.2); c.190G>A, p.Val64Met (NM_014835.5); c.226G>A (NM_144498.1); short protein forms V76M, V64M.
Identifiers: ClinVar variation 666888 (VCV000666888.11), dbSNP rs777865483, ClinGen allele CA9938385.